The following is an entry in ClinVar:

ClinVar aggregate classification (germline): Likely benign. Review status: criteria provided, multiple submitters, no conflicts (2 of 4 stars). 3 submissions from 3 submitters: Likely benign (3). Last evaluated 2019-11-22.

Conditions:
Aortic aneurysm, familial thoracic 4 (AAT4). Also called: AORTIC ANEURYSM/AORTIC DISSECTION AND PATENT DUCTUS ARTERIOSUS. Identifiers: MedGen C1851504, MONDO:0007568, OMIM 132900.

Allele frequency attached by ClinVar (database versions not stated): gnomAD 0.00041 and 0.00057; gnomAD exomes 0.00054 and 0.00160; TOPMed 0.00069; ExAC 0.00167; 1000 Genomes Project 30x 0.00219; 1000 Genomes Project 0.00280.
gnomAD v4.1: 872 of 1,613,108 alleles (0.054%); highest among the groups gnomAD compares: East Asian, 1.7%; 15 homozygotes.

Submissions (3):

GeneDx
Classification: Likely benign. Last evaluated: 2019-11-22. Review status: criteria provided, single submitter. Criteria: GeneDx Variant Classification Process June 2021. Collection method: clinical testing. Allele origin: germline. Affected: yes.

Illumina Laboratory Services, Illumina
Classification: Likely benign for Aortic aneurysm, familial thoracic 4. Last evaluated: 2018-01-13. Review status: criteria provided, single submitter. Criteria: ICSL Variant Classification Criteria 13 December 2019. Collection method: clinical testing. Allele origin: germline.
Comment: This variant was observed in the ICSL laboratory as part of a predisposition screen in an ostensibly healthy population. It had not been previously curated by ICSL or reported in the Human Gene Mutation Database (HGMD: prior to June 1st, 2018), and was therefore a candidate for classification through an automated scoring system. Utilizing variant allele frequency, disease prevalence and penetrance estimates, and inheritance mode, an automated score was calculated to assess if this variant is too frequent to cause the disease. Based on the score and internal cut-off values, a variant classified as likely benign is not then subjected to further curation. The score for this variant resulted in a classification of likely benign for this disease.

Breakthrough Genomics
Classification: Likely benign. Review status: criteria provided, single submitter. Criteria: ACMG Guidelines, 2015. Collection method: not provided. Allele origin: germline. Inheritance: Autosomal recessive inheritance. Affected: yes.

NM_002474.3(MYH11):c.*37C>A

Genes: MYH11 (myosin heavy chain 11; minus strand), NDE1 (nudE neurodevelopment protein 1; plus strand). Cytogenetic location: 16p13.11.
Variant type: single nucleotide variant.
Coding change: c.*37C>A on transcript NM_002474.3 (MANE Select); 37 bases downstream of the stop codon, C replaced by A.
Molecular consequence: 3 prime UTR variant. On other transcripts: intron variant (2).
Genome position (GRCh38, 1-based): chr16:15,703,954, G>T on the plus strand (C>A on the coding strand, the complement: MYH11 is on the minus strand). VCF-style: chr16-15703954-G-T. GRCh37 (hg19) VCF-style: chr16-15797811-G-T.
Other names: c.*178C>A (NM_001040113.2, NM_022844.3); c.*37C>A (NM_001040114.2); c.947+7094G>T (NM_001143979.2, NM_017668.3).
Identifiers: ClinVar variation 318086 (VCV000318086.9), dbSNP rs182768107, ClinGen allele CA7921033.